The following is an entry in ClinVar:

NM_203447.4(DOCK8):c.5717G>A (p.Arg1906Gln)

Gene: DOCK8 (dedicator of cytokinesis 8; plus strand). Cytogenetic location: 9p24.3.
Variant type: single nucleotide variant.
Coding change: c.5717G>A on transcript NM_203447.4 (MANE Select); coding-DNA position 5717, G replaced by A.
Protein change: p.Arg1906Gln; replaces arginine 1906 with glutamine.
Molecular consequence: missense variant.
Genome position (GRCh38, 1-based): chr9:446,506, G>A. VCF-style: chr9-446506-G-A. GRCh37 (hg19) VCF-style: chr9-446506-G-A.
Other names: c.5417G>A, p.Arg1806Gln (NM_001190458.2); c.5513G>A, p.Arg1838Gln (NM_001193536.2); short protein forms R1838Q, R1806Q, R1906Q.
Identifiers: ClinVar variation 3842014 (VCV003842014.2).

ClinVar aggregate classification (germline): Uncertain significance. Review status: criteria provided, multiple submitters, no conflicts (2 of 4 stars). 2 submissions from 2 submitters: Uncertain significance (2). Last evaluated 2026-01-22.

Conditions:
Combined immunodeficiency due to DOCK8 deficiency (HIES2). Also called: HIES autosomal recessive; Hyper-IgE recurrent infection syndrome, autosomal recessive; HYPER-IgE RECURRENT INFECTION SYNDROME 2, AUTOSOMAL RECESSIVE; HYPER-IgE SYNDROME 2, AUTOSOMAL RECESSIVE, WITH RECURRENT INFECTIONS; DOCK8 Deficiency. Identifiers: Orphanet 217390, MedGen C4722305, MONDO:0009478, OMIM 243700.
Inborn genetic diseases. Identifiers: MedGen C0950123, MeSH D030342.

gnomAD v4.1: 10 of 1,614,056 alleles (0.00062%); highest among the groups gnomAD compares: East Asian, 0.0045%; no homozygotes.

Submissions (2):

Labcorp Genetics (formerly Invitae), Labcorp
Classification: Uncertain significance for Combined immunodeficiency due to DOCK8 deficiency. Last evaluated: 2026-01-22. Review status: criteria provided, single submitter. Criteria: Invitae Variant Classification Sherloc (09022015). Collection method: clinical testing. Allele origin: germline.
Comment: This sequence change replaces arginine, which is basic and polar, with glutamine, which is neutral and polar, at codon 1906 of the DOCK8 protein (p.Arg1906Gln). This variant is present in population databases (rs776063326, gnomAD 0.005%). This variant has not been reported in the literature in individuals affected with DOCK8-related conditions. ClinVar contains an entry for this variant (Variation ID: 3842014). Invitae Evidence Modeling of protein sequence and biophysical properties (such as structural, functional, and spatial information, amino acid conservation, physicochemical variation, residue mobility, and thermodynamic stability) indicates that this missense variant is not expected to disrupt DOCK8 protein function with a negative predictive value of 80%. In summary, the available evidence is currently insufficient to determine the role of this variant in disease. Therefore, it has been classified as a Variant of Uncertain Significance.

Ambry Genetics
Classification: Uncertain significance for Inborn genetic diseases. Last evaluated: 2025-01-29. Review status: criteria provided, single submitter. Criteria: Ambry Variant Classification Scheme 2023. Collection method: clinical testing. Allele origin: germline.